The following is an entry in ClinVar:

ClinVar aggregate classification (germline): Uncertain significance. Review status: criteria provided, multiple submitters, no conflicts (2 of 4 stars). 3 submissions from 3 submitters: Uncertain significance (3). Last evaluated 2023-11-06.

Conditions:
Cutis laxa with severe pulmonary, gastrointestinal and urinary anomalies. Also called: URBAN-RIFKIN-DAVIS SYNDROME; Cutis laxa, autosomal recessive, type IC; LTBP4-Related Cutis Laxa. Identifiers: Orphanet 221145, MedGen C2750804, MONDO:0013170, OMIM 613177. Disease mechanism: loss of function.
Inborn genetic diseases. Identifiers: MedGen C0950123, MeSH D030342.

Allele frequency attached by ClinVar (database versions not stated): TOPMed below 0.00001; gnomAD 0.00001; gnomAD exomes 0.00001 and 0.00004.

Submissions (3):

GeneDx
Classification: Uncertain significance. Last evaluated: 2023-11-06. Review status: criteria provided, single submitter. Criteria: GeneDx Variant Classification Process June 2021. Collection method: clinical testing. Allele origin: germline. Affected: yes.
Comment: Not observed at significant frequency in large population cohorts (gnomAD); In silico analysis supports that this missense variant has a deleterious effect on protein structure/function; Has not been previously published as pathogenic or benign to our knowledge

Ambry Genetics
Classification: Uncertain significance for Inborn genetic diseases. Last evaluated: 2023-05-16. Review status: criteria provided, single submitter. Criteria: Ambry Variant Classification Scheme 2023. Collection method: clinical testing. Allele origin: germline.

Illumina Laboratory Services, Illumina
Classification: Uncertain significance for Cutis laxa with severe pulmonary, gastrointestinal and urinary anomalies. Last evaluated: 2018-01-12. Review status: criteria provided, single submitter. Criteria: ICSL Variant Classification Criteria 13 December 2019. Collection method: clinical testing. Allele origin: germline.

NM_001042545.2(LTBP4):c.1835C>T (p.Pro612Leu)

Gene: LTBP4 (latent transforming growth factor beta binding protein 4; plus strand). Cytogenetic location: 19q13.2.
Variant type: single nucleotide variant.
Coding change: c.1835C>T on transcript NM_001042545.2 (MANE Select); coding-DNA position 1835, C replaced by T.
Protein change: p.Pro612Leu; replaces proline 612 with leucine.
Molecular consequence: missense variant.
Genome position (GRCh38, 1-based): chr19:40,611,176, C>T. VCF-style: chr19-40611176-C-T. GRCh37 (hg19) VCF-style: chr19-41117082-C-T.
Other names: c.2036C>T, p.Pro679Leu (NM_001042544.1); c.1925C>T, p.Pro642Leu (NM_003573.2); short protein forms P679L, P642L, P612L.
Identifiers: ClinVar variation 329313 (VCV000329313.11), dbSNP rs886054447, ClinGen allele CA10651993.